The following is an entry in ClinVar:

NM_000051.4(ATM):c.3457G>T (p.Val1153Phe)

Gene: ATM (ATM serine/threonine kinase; plus strand). Cytogenetic location: 11q22.3.
Variant type: single nucleotide variant.
Coding change: c.3457G>T on transcript NM_000051.4 (MANE Select); coding-DNA position 3457, G replaced by T.
Protein change: p.Val1153Phe; replaces valine 1153 with phenylalanine.
Molecular consequence: missense variant.
Genome position (GRCh38, 1-based): chr11:108,281,049, G>T. VCF-style: chr11-108281049-G-T. GRCh37 (hg19) VCF-style: chr11-108151776-G-T.
Other names: c.3457G>T, p.Val1153Phe (NM_001351834.2); short protein forms V1153F.
Identifiers: ClinVar variation 839017 (VCV000839017.9), dbSNP rs863224562, ClinGen allele CA382519378.
Genomic context (GRCh38, chr11:108,281,049, plus strand): 5'-TTTAAGTCCCATAGTGCTGAGAACCCTGAAACTTTGGATGAAATTTATAATAGAAAATCT[G>T]TTTTACTGACGTTGATAGCTGTGGTTTTATCCTGTAGCCCTATCTGCGAAAAACAGGCTT-3'
Protein context (NP_000042.3, residues 1143-1163): TLDEIYNRKS[Val1153Phe]LLTLIAVVLS

ClinVar aggregate classification (germline): Uncertain significance (1 of 4 stars; one submission).

Conditions:
Ataxia-telangiectasia syndrome (AT). Also called: Ataxia-telangiectasia, complementation group E; Ataxia telangiectasia (A-T); LOUIS-BAR SYNDROME; Ataxia-telangiectasia, complementation group D; AT, COMPLEMENTATION GROUP C; Ataxia-telangiectasia. Identifiers: Orphanet 100, MedGen C0004135, MONDO:0008840, OMIM 208900.

Submission:

Labcorp Genetics (formerly Invitae), Labcorp
Classification: Uncertain significance for Ataxia-telangiectasia syndrome. Last evaluated: 2024-03-16. Review status: criteria provided, single submitter. Criteria: Invitae Variant Classification Sherloc (09022015). Collection method: clinical testing. Allele origin: germline.
Comment: This sequence change replaces valine, which is neutral and non-polar, with phenylalanine, which is neutral and non-polar, at codon 1153 of the ATM protein (p.Val1153Phe). This variant is not present in population databases (gnomAD no frequency). This variant has not been reported in the literature in individuals affected with ATM-related conditions. ClinVar contains an entry for this variant (Variation ID: 839017). An algorithm developed to predict the effect of missense changes on protein structure and function (PolyPhen-2) suggests that this variant is likely to be tolerated. In summary, the available evidence is currently insufficient to determine the role of this variant in disease. Therefore, it has been classified as a Variant of Uncertain Significance.